The following is an entry in ClinVar:

NM_001370466.1(NOD2):c.1154A>G (p.Gln385Arg)

Gene: NOD2 (nucleotide binding oligomerization domain containing 2; plus strand). Cytogenetic location: 16q12.1.
Variant type: single nucleotide variant.
Coding change: c.1154A>G on transcript NM_001370466.1 (MANE Select); coding-DNA position 1154, A replaced by G.
Protein change: p.Gln385Arg; replaces glutamine 385 with arginine.
Molecular consequence: missense variant. On other transcripts: non-coding transcript variant (1).
Genome position (GRCh38, 1-based): chr16:50,711,146, A>G. VCF-style: chr16-50711146-A-G. GRCh37 (hg19) VCF-style: chr16-50745057-A-G.
Other names: c.1154A>G, p.Gln385Arg (NM_001293557.2); c.1235A>G, p.Gln412Arg (NM_022162.3); short protein forms Q385R, Q412R.
Identifiers: ClinVar variation 3757248 (VCV003757248.3).

ClinVar aggregate classification (germline): Uncertain significance. Review status: criteria provided, multiple submitters, no conflicts (2 of 4 stars). 2 submissions from 2 submitters: Uncertain significance (2). Last evaluated 2025-09-27.

Conditions:
Regional enteritis. Also called: Enteritis, Granulomatous. Identifiers: MedGen C0678202, MeSH D003424.
Blau syndrome (BLAUS). Also called: GRANULOMATOSIS, FAMILIAL JUVENILE SYSTEMIC; GRANULOMATOSIS, FAMILIAL, BLAU TYPE; GRANULOMATOUS INFLAMMATORY ARTHRITIS, DERMATITIS, AND UVEITIS, FAMILIAL; JABS SYNDROME; ARTHROCUTANEOUVEAL GRANULOMATOSIS. Identifiers: Orphanet 90340, MedGen C5201146, MONDO:0008523, OMIM 186580.
Inborn genetic diseases. Identifiers: MedGen C0950123, MeSH D030342.

Submissions (2):

Ambry Genetics
Classification: Uncertain significance for Inborn genetic diseases. Last evaluated: 2025-09-27. Review status: criteria provided, single submitter. Criteria: Ambry Variant Classification Scheme 2023. Collection method: clinical testing. Allele origin: germline.

Labcorp Genetics (formerly Invitae), Labcorp
Classification: Uncertain significance for Regional enteritis; Blau syndrome. Last evaluated: 2024-02-05. Review status: criteria provided, single submitter. Criteria: Invitae Variant Classification Sherloc (09022015). Collection method: clinical testing. Allele origin: germline.
Comment: This sequence change replaces glutamine, which is neutral and polar, with arginine, which is basic and polar, at codon 412 of the NOD2 protein (p.Gln412Arg). This variant is not present in population databases (gnomAD no frequency). This variant has not been reported in the literature in individuals affected with NOD2-related conditions. Advanced modeling of protein sequence and biophysical properties (such as structural, functional, and spatial information, amino acid conservation, physicochemical variation, residue mobility, and thermodynamic stability) performed at Invitae indicates that this missense variant is not expected to disrupt NOD2 protein function with a negative predictive value of 95%. In summary, the available evidence is currently insufficient to determine the role of this variant in disease. Therefore, it has been classified as a Variant of Uncertain Significance.